The following is an entry in ClinVar:

NM_181712.5(KANK4):c.1411C>T (p.Arg471Cys)

Gene: KANK4 (KN motif and ankyrin repeat domains 4; minus strand). Cytogenetic location: 1p31.3.
Variant type: single nucleotide variant.
Coding change: c.1411C>T on transcript NM_181712.5 (MANE Select); coding-DNA position 1411, C replaced by T.
Protein change: p.Arg471Cys; replaces arginine 471 with cysteine.
Molecular consequence: missense variant. On other transcripts: intron variant (1).
Genome position (GRCh38, 1-based): chr1:62,273,693, G>A on the plus strand (C>T on the coding strand, the complement: KANK4 is on the minus strand). VCF-style: chr1-62273693-G-A. GRCh37 (hg19) VCF-style: chr1-62739365-G-A.
Other names: c.17-2104C>T (NM_001320269.2); short protein forms R471C.
Identifiers: ClinVar variation 2635638 (VCV002635638.5), dbSNP rs199534616, ClinGen allele CA884377.

ClinVar aggregate classification (germline): Uncertain significance. Review status: criteria provided, multiple submitters, no conflicts (2 of 4 stars). 3 submissions from 3 submitters: Uncertain significance (3). Last evaluated 2025-05-29.

Conditions:
KANK4-related disorder. Also called: KANK4-related condition.

Allele frequency attached by ClinVar (database versions not stated): gnomAD 0.00004; gnomAD exomes 0.00004; ExAC 0.00014.
gnomAD v4.1: 63 of 1,614,000 alleles (0.0039%); highest among the groups gnomAD compares: South Asian, 0.04%; no homozygotes.

Submissions (3):

Ambry Genetics
Classification: Uncertain significance. Last evaluated: 2025-05-29. Review status: criteria provided, single submitter. Criteria: Ambry Variant Classification Scheme 2023. Collection method: clinical testing. Allele origin: germline.

PreventionGenetics, part of Exact Sciences
Classification: Uncertain significance for KANK4-related condition. Last evaluated: 2022-12-18. Review status: criteria provided, single submitter. Criteria: ACMG Guidelines, 2015. Collection method: clinical testing. Allele origin: germline.
Comment: The KANK4 c.1411C>T variant is predicted to result in the amino acid substitution p.Arg471Cys. To our knowledge, this variant has not been reported in the literature. This variant is reported in 0.052% of alleles in individuals of South Asian descent in gnomAD. Although we suspect that this variant may be benign, at this time, the clinical significance of this variant is uncertain due to the absence of conclusive functional and genetic evidence.

Labcorp Genetics (formerly Invitae), Labcorp
Classification: Uncertain significance. Last evaluated: 2022-12-04. Review status: criteria provided, single submitter. Criteria: Invitae Variant Classification Sherloc (09022015). Collection method: clinical testing. Allele origin: germline.
Comment: In summary, the available evidence is currently insufficient to determine the role of this variant in disease. Therefore, it has been classified as a Variant of Uncertain Significance. Algorithms developed to predict the effect of missense changes on protein structure and function output the following: SIFT: "Tolerated"; PolyPhen-2: "Benign"; Align-GVGD: "Class C0". The cysteine amino acid residue is found in multiple mammalian species, which suggests that this missense change does not adversely affect protein function. This variant has not been reported in the literature in individuals affected with KANK4-related conditions. This variant is present in population databases (rs199534616, gnomAD 0.05%). This sequence change replaces arginine, which is basic and polar, with cysteine, which is neutral and slightly polar, at codon 471 of the KANK4 protein (p.Arg471Cys).